The following is an entry in ClinVar:

ClinVar aggregate classification (germline): Conflicting classifications of pathogenicity. Review status: criteria provided, conflicting classifications (1 of 4 stars). 2 submissions from 2 submitters: Uncertain significance (1); Likely benign (1). Last evaluated 2025-02-18.

Conditions:
Hereditary cancer-predisposing syndrome. Also called: Neoplastic Syndromes, Hereditary; Tumor predisposition; Hereditary Cancer Syndrome; Hereditary neoplastic syndrome. Identifiers: Orphanet 140162, MedGen C0027672, MeSH D009386, MONDO:0015356.
Familial cancer of breast. Also called: Hereditary breast cancer; BREAST CANCER, FAMILIAL; hereditary breast carcinoma. Identifiers: Orphanet 227535, MedGen C0346153, MONDO:0016419, OMIM 114480. Disease mechanism: loss of function.

Submissions (2):

Ambry Genetics
Classification: Uncertain significance for Hereditary cancer-predisposing syndrome. Last evaluated: 2025-02-18. Review status: criteria provided, single submitter. Criteria: Ambry Variant Classification Scheme 2023. Collection method: clinical testing. Allele origin: germline.
Comment: The c.1096-3T>C intronic variant results from a T to C substitution 3 nucleotides upstream from coding exon 10 in the CHEK2 gene. This nucleotide position is well conserved in available vertebrate species. In silico splice site analysis predicts that this alteration will not have any significant effect on splicing. Based on the available evidence, the clinical significance of this variant remains unclear.

Myriad Genetics, Inc.
Classification: Likely benign for Familial cancer of breast. Last evaluated: 2024-10-04. Review status: criteria provided, single submitter. Criteria: Myriad Autosomal Dominant, Autosomal Recessive and X-Linked Classification Criteria (2023). Collection method: clinical testing. Allele origin: unknown.
Comment: This variant is considered likely benign. This variant is intronic and is not expected to impact mRNA splicing.

NM_007194.4(CHEK2):c.1096-3T>C

Gene: CHEK2 (checkpoint kinase 2; minus strand). Cytogenetic location: 22q12.1.
Variant type: single nucleotide variant.
Coding change: c.1096-3T>C on transcript NM_007194.4 (MANE Select); 3 bases into the intron before coding-DNA position 1096, T replaced by C.
Molecular consequence: intron variant.
Genome position (GRCh38, 1-based): chr22:28,695,876, A>G on the plus strand (T>C on the coding strand, the complement: CHEK2 is on the minus strand). VCF-style: chr22-28695876-A-G. GRCh37 (hg19) VCF-style: chr22-29091864-A-G.
Other names: c.433-3T>C (NM_001437942.1, NM_001257387.3); c.895-3T>C (NM_001349956.3); c.1009-3T>C (NM_145862.3); c.1102-3T>C (NM_001438295.1); c.1189-3T>C (NM_001438293.1); c.1138-3T>C (NM_001438294.1); c.1225-3T>C (NM_001005735.3).
Identifiers: ClinVar variation 3773344 (VCV003773344.2).
Genomic context (GRCh38, chr22:28,695,876, plus strand): 5'-ATAAGGTTCTCATGAGAGAGGTCTCTCCCAAAATCTTGGAGTGCCCAAAATCAGTAATCT[A>G]AAATTCAGTACAAAAGGGAATAATGTTGAACTTGCCATAAAATAAAAAGATTAACATAGT-3'